The following is an entry in ClinVar:

NM_003745.2(SOCS1):c.281G>T (p.Arg94Leu)

Gene: SOCS1 (suppressor of cytokine signaling 1; minus strand). Cytogenetic location: 16p13.13.
Variant type: single nucleotide variant.
Coding change: c.281G>T on transcript NM_003745.2 (MANE Select); coding-DNA position 281, G replaced by T.
Protein change: p.Arg94Leu; replaces arginine 94 with leucine.
Molecular consequence: missense variant.
Genome position (GRCh38, 1-based): chr16:11,255,198, C>A on the plus strand (G>T on the coding strand, the complement: SOCS1 is on the minus strand). VCF-style: chr16-11255198-C-A. GRCh37 (hg19) VCF-style: chr16-11349055-C-A.
Other names: short protein forms R94L.
Identifiers: ClinVar variation 2431403 (VCV002431403.1), dbSNP rs1043628610, ClinGen allele CA278232785.

ClinVar aggregate classification (germline): Uncertain significance (1 of 4 stars; one submission).

Conditions:
Autoinflammatory syndrome with immunodeficiency. Also called: AUTOINFLAMMATORY SYNDROME, FAMILIAL, WITH OR WITHOUT IMMUNODEFICIENCY. Identifiers: MedGen C5543547, MONDO:0800130, OMIM 619375.

Allele frequency attached by ClinVar (database versions not stated): gnomAD 0.00001; TOPMed 0.00002.

Submission:

Laboratorio de Genetica e Diagnostico Molecular, Hospital Israelita Albert Einstein
Classification: Uncertain significance for Autoinflammatory syndrome with immunodeficiency. Last evaluated: 2022-08-08. Review status: criteria provided, single submitter. Criteria: ACMG Guidelines, 2015. Collection method: clinical testing. Allele origin: germline. Affected: yes. Observed: 1 variant allele.
Comment: ACMG classification criteria: PM2 moderated